The following is an entry in ClinVar:

ClinVar aggregate classification (germline): Conflicting classifications of pathogenicity. Review status: criteria provided, conflicting classifications (1 of 4 stars). 3 submissions from 3 submitters: Likely pathogenic (2); Uncertain significance (1). Last evaluated 2025-05-21.

Allele frequency attached by ClinVar (database versions not stated): gnomAD exomes below 0.00001; ExAC 0.00001.
gnomAD v4.1: 5 of 1,613,970 alleles (0.00031%); highest among the groups gnomAD compares: Middle Eastern, 0.016%; no homozygotes.

Submissions (3):

Labcorp Genetics (formerly Invitae), Labcorp
Classification: Likely pathogenic. Last evaluated: 2025-05-21. Review status: criteria provided, single submitter. Criteria: Invitae Variant Classification Sherloc (09022015). Collection method: clinical testing. Allele origin: germline.
Comment: This sequence change replaces alanine, which is neutral and non-polar, with valine, which is neutral and non-polar, at codon 316 of the GPAA1 protein (p.Ala316Val). This variant is present in population databases (rs781822297, gnomAD 0.003%). This missense change has been observed in individual(s) with GPAA1-related conditions (PMID: 34703884). In at least one individual the data is consistent with being in trans (on the opposite chromosome) from a pathogenic variant. ClinVar contains an entry for this variant (Variation ID: 1523531). Invitae Evidence Modeling of protein sequence and biophysical properties (such as structural, functional, and spatial information, amino acid conservation, physicochemical variation, residue mobility, and thermodynamic stability) indicates that this missense variant is expected to disrupt GPAA1 protein function with a positive predictive value of 80%. In summary, the currently available evidence indicates that the variant is pathogenic, but additional data are needed to prove that conclusively. Therefore, this variant has been classified as Likely Pathogenic.

GeneDx
Classification: Likely pathogenic. Last evaluated: 2024-03-07. Review status: criteria provided, single submitter. Criteria: GeneDx Variant Classification Process June 2021. Collection method: clinical testing. Allele origin: germline. Affected: yes.
Comment: In silico analysis supports that this missense variant has a deleterious effect on protein structure/function; Not observed at significant frequency in large population cohorts (gnomAD); This variant is associated with the following publications: (PMID: 38112147, 35032046, 34703884)

Blueprint Genetics
Classification: Uncertain significance. Last evaluated: 2021-12-15. Review status: criteria provided, single submitter. Criteria: ACMG Guidelines, 2015. Collection method: clinical testing. Allele origin: germline.

Literature cited by the submitters: PubMed 34703884 (cited by Labcorp Genetics (formerly Invitae), Labcorp).

NM_003801.4(GPAA1):c.947C>T (p.Ala316Val)

Gene: GPAA1 (glycosylphosphatidylinositol anchor attachment 1; plus strand). Cytogenetic location: 8q24.3.
Variant type: single nucleotide variant.
Coding change: c.947C>T on transcript NM_003801.4 (MANE Select); coding-DNA position 947, C replaced by T.
Protein change: p.Ala316Val; replaces alanine 316 with valine.
Molecular consequence: missense variant.
Genome position (GRCh38, 1-based): chr8:144,084,546, C>T. VCF-style: chr8-144084546-C-T. GRCh37 (hg19) VCF-style: chr8-145139449-C-T.
Other names: c.947C>T (NM_003801.3); short protein forms A316V.
Identifiers: ClinVar variation 1523531 (VCV001523531.7), dbSNP rs781822297, ClinGen allele CA4932979.